The following is an entry in ClinVar:

ClinVar aggregate classification (germline): Uncertain significance (1 of 4 stars; one submission).

Submission:

Labcorp Genetics (formerly Invitae), Labcorp
Classification: Uncertain significance. Last evaluated: 2023-07-31. Review status: criteria provided, single submitter. Criteria: Invitae Variant Classification Sherloc (09022015). Collection method: clinical testing. Allele origin: germline.
Comment: In summary, the available evidence is currently insufficient to determine the role of this variant in disease. Therefore, it has been classified as a Variant of Uncertain Significance. Advanced modeling of protein sequence and biophysical properties (such as structural, functional, and spatial information, amino acid conservation, physicochemical variation, residue mobility, and thermodynamic stability) performed at Invitae indicates that this missense variant is not expected to disrupt PRPF3 protein function. This variant has not been reported in the literature in individuals affected with PRPF3-related conditions. This variant is not present in population databases (gnomAD no frequency). This sequence change replaces valine, which is neutral and non-polar, with alanine, which is neutral and non-polar, at codon 438 of the PRPF3 protein (p.Val438Ala).

NM_004698.4(PRPF3):c.1313T>C (p.Val438Ala)

Gene: PRPF3 (pre-mRNA processing factor 3; plus strand). Cytogenetic location: 1q21.2.
Variant type: single nucleotide variant.
Coding change: c.1313T>C on transcript NM_004698.4 (MANE Select); coding-DNA position 1313, T replaced by C.
Protein change: p.Val438Ala; replaces valine 438 with alanine.
Molecular consequence: missense variant. On other transcripts: non-coding transcript variant (4).
Genome position (GRCh38, 1-based): chr1:150,343,339, T>C. VCF-style: chr1-150343339-T-C. GRCh37 (hg19) VCF-style: chr1-150315815-T-C.
Other names: c.908T>C, p.Val303Ala (NM_001350529.1); short protein forms V303A, V438A.
Identifiers: ClinVar variation 2748806 (VCV002748806.3), dbSNP rs782654850, ClinGen allele CA30026245.
Genomic context (GRCh38, chr1:150,343,339, plus strand): 5'-CTTTGGTATACTAATATCTCTGCCTGACAGTTGACAATGACACACCAGTTACTCTGGGAG[T>C]ATATCTTACCAAGAAGGAACAGAAAAAACTTCGGAGACAAACAAGGAGGGAAGCACAGAA-3'
Protein context (NP_004689.1, residues 428-448): VDNDTPVTLG[Val438Ala]YLTKKEQKKL